The following is an entry in ClinVar:

ClinVar aggregate classification (germline): Likely pathogenic (1 of 4 stars; one submission).

Submission:

Labcorp Genetics (formerly Invitae), Labcorp
Classification: Likely pathogenic. Last evaluated: 2023-05-26. Review status: criteria provided, single submitter. Criteria: Invitae Variant Classification Sherloc (09022015). Collection method: clinical testing. Allele origin: germline.
Comment: In summary, the currently available evidence indicates that the variant is pathogenic, but additional data are needed to prove that conclusively. Therefore, this variant has been classified as Likely Pathogenic. This variant disrupts the p.Ala211 amino acid residue in RS1. Other variant(s) that disrupt this residue have been determined to be pathogenic (PMID: 12383832, 29739629, 31456290). This suggests that this residue is clinically significant, and that variants that disrupt this residue are likely to be disease-causing. Advanced modeling of protein sequence and biophysical properties (such as structural, functional, and spatial information, amino acid conservation, physicochemical variation, residue mobility, and thermodynamic stability) performed at Invitae indicates that this missense variant is expected to disrupt RS1 protein function. This variant has not been reported in the literature in individuals affected with RS1-related conditions. This variant is not present in population databases (gnomAD no frequency). This sequence change replaces alanine, which is neutral and non-polar, with glycine, which is neutral and non-polar, at codon 211 of the RS1 protein (p.Ala211Gly).

Literature cited by the submitters: PubMed 12383832; PubMed 29739629; PubMed 31456290.

NM_000330.4(RS1):c.632C>G (p.Ala211Gly)

Genes: CDKL5 (cyclin dependent kinase like 5; plus strand), RS1 (retinoschisin 1; minus strand). Cytogenetic location: Xp22.13.
Variant type: single nucleotide variant.
Coding change: c.632C>G on transcript NM_000330.4 (MANE Select); coding-DNA position 632, C replaced by G.
Protein change: p.Ala211Gly; replaces alanine 211 with glycine.
Molecular consequence: missense variant. On other transcripts: intron variant (2).
Genome position (GRCh38, 1-based): chrX:18,642,047, G>C on the plus strand (C>G on the coding strand, the complement: RS1 is on the minus strand). VCF-style: chrX-18642047-G-C. GRCh37 (hg19) VCF-style: chrX-18660167-G-C.
Other names: c.2714-3960G>C (NM_003159.3, NM_001037343.2); short protein forms A211G.
Identifiers: ClinVar variation 2726801 (VCV002726801.3), dbSNP rs1602308821, ClinGen allele CA412370167.
Genomic context (GRCh38, chrX:18,642,047, plus strand): 5'-CCGAGCTGAGGCAGGCATCAGGCACACTTGCTGACGCACTCCAGCAGCTCCATCCGGATG[G>C]CAATGCGGACGTGCCAGCCCAGCGGGATGAGGCGGATGAAGCGGGAGATGATGGGGGGCC-3'
Protein context (NP_000321.1, residues 201-221): LIPLGWHVRI[Ala211Gly]IRMELLECVS